The following is an entry in ClinVar:

NM_000334.4(SCN4A):c.4463T>C (p.Leu1488Pro)

Genes: GH-LCR (growth hormone locus control region; plus strand), SCN4A (sodium voltage-gated channel alpha subunit 4; minus strand). Cytogenetic location: 17q23.3.
Variant type: single nucleotide variant.
Coding change: c.4463T>C on transcript NM_000334.4 (MANE Select); coding-DNA position 4463, T replaced by C.
Protein change: p.Leu1488Pro; replaces leucine 1488 with proline.
Molecular consequence: missense variant.
Genome position (GRCh38, 1-based): chr17:63,941,819, A>G on the plus strand (T>C on the coding strand, the complement: SCN4A is on the minus strand). VCF-style: chr17-63941819-A-G. GRCh37 (hg19) VCF-style: chr17-62019179-A-G.
Other names: short protein forms L1488P.
Identifiers: ClinVar variation 380391 (VCV000380391.2), dbSNP rs1057520846, ClinGen allele CA16607427.
Genomic context (GRCh38, chr17:63,941,819, plus strand): 5'-TTGACGTAGGCAAAGTTGGACATGCCGAAGATGGAGTAGATGAACATGACCAGGAAGAGG[A>G]GGAGGCCGATGTTGAAGAGGGCAGGCAGCGACATCATGAGGGCGAACAGCAGCGTCCGGA-3'
Protein context (NP_000325.4, residues 1478-1498): SLPALFNIGL[Leu1488Pro]LFLVMFIYSI

ClinVar aggregate classification (germline): Pathogenic (1 of 4 stars; one submission).

Submission:

GeneDx
Classification: Pathogenic. Last evaluated: 2016-12-15. Review status: criteria provided, single submitter. Criteria: GeneDx Variant Classification (06012015). Collection method: clinical testing. Allele origin: germline. Affected: yes.
Comment: The L1488P variant in the SCN4A gene has not been published as a mutation, nor has it been reported as a benign polymorphism to our knowledge. The L1488P variant was not observed in approximately 6,500 individuals of European and African American ancestry in the NHLBI Exome Sequencing Project, indicating it is not a common benign variant in these populations. The L1488P variant is a semi-conservative amino acid substitution, which may impact secondary protein structure as these residues differ in some properties. This substitution occurs at a position that is conserved across species. In silico analysis predicts this variant is probably damaging to the protein structure/function. Missense mutations in nearby residues (A1481D, I1495F) have been reported in the Human Gene Mutation Database in association with SCN4A-related disorders (Stenson et al., 2014), supporting the functional importance of this region of the protein. We interpret L1488P as a pathogenic variant.